The following is an entry in ClinVar:

NC_000017.10:g.(?_41196353)_(41215988_?)del

Gene: BRCA1 (BRCA1 DNA repair associated; minus strand). Cytogenetic location: 17q21.31.
Variant type: Deletion.
Identifiers: ClinVar variation 2425715 (VCV002425715.7).

ClinVar aggregate classification (germline): Pathogenic (1 of 4 stars; one submission).

Conditions:
Hereditary breast ovarian cancer syndrome. Also called: Hereditary breast and ovarian cancer syndrome (HBOC); Breast and ovarian cancer; Hereditary breast and/or ovarian cancer syndrome; Hereditary breast and ovarian cancer; BRCA1- and BRCA2-Associated Hereditary Breast and Ovarian Cancer; Hereditary breast and ovarian cancer syndrome. Identifiers: Orphanet 145, MedGen C0677776, MeSH D061325, MONDO:0003582. Disease mechanism: loss of function.

Submission:

Labcorp Genetics (formerly Invitae), Labcorp
Classification: Pathogenic for Hereditary breast ovarian cancer syndrome. Last evaluated: 2022-07-05. Review status: criteria provided, single submitter. Criteria: Invitae Variant Classification Sherloc (09022015). Collection method: clinical testing. Allele origin: germline.
Comment: For these reasons, this variant has been classified as Pathogenic. This variant disrupts a region of the BRCA1 protein in which other variant(s) (p.Gly1788Val) have been determined to be pathogenic (PMID: 9796975, 14534301, 15689452, 18512148, 20516115, 21614564, 27272900). This suggests that this is a clinically significant region of the protein, and that variants that disrupt it are likely to be disease-causing. This variant has not been reported in the literature in individuals affected with BRCA1-related conditions. This variant is a gross deletion of the genomic region encompassing exon(s) 17-23 of the BRCA1 gene, which includes the termination codon. This deletion extends beyond the assayed region for this gene and therefore may encompass additional genes. While this deletion is not anticipated to lead to nonsense mediated decay, it is expected to alter mRNA translation or result in a truncated protein product.

Literature cited by the submitters: PubMed 9796975; PubMed 14534301; PubMed 15689452; PubMed 18512148; PubMed 20516115; PubMed 21614564; PubMed 27272900.